The following is an entry in ClinVar:

ClinVar aggregate classification (germline): Uncertain significance (1 of 4 stars; one submission).

Conditions:
Inborn genetic diseases. Identifiers: MedGen C0950123, MeSH D030342.

Submission:

Ambry Genetics
Classification: Uncertain significance for Inborn genetic diseases. Last evaluated: 2017-12-18. Review status: criteria provided, single submitter. Criteria: Ambry Variant Classification Scheme 2023. Collection method: clinical testing. Allele origin: germline.
Comment: The p.S285F variant (also known as c.854C>T), located in coding exon 4 of the NHS gene, results from a C to T substitution at nucleotide position 854. The serine at codon 285 is replaced by phenylalanine, an amino acid with highly dissimilar properties. This amino acid position is well conserved in available vertebrate species. In addition, the in silico prediction for this alteration is inconclusive. Since supporting evidence is limited at this time, the clinical significance of this alteration remains unclear.

NM_001291867.2(NHS):c.917C>T (p.Ser306Phe)

Gene: NHS (NHS actin remodeling regulator; plus strand). Cytogenetic location: Xp22.13.
Variant type: single nucleotide variant.
Coding change: c.917C>T on transcript NM_001291867.2 (MANE Select); coding-DNA position 917, C replaced by T.
Protein change: p.Ser306Phe; replaces serine 306 with phenylalanine.
Molecular consequence: missense variant.
Genome position (GRCh38, 1-based): chrX:17,721,442, C>T. VCF-style: chrX-17721442-C-T. GRCh37 (hg19) VCF-style: chrX-17739562-C-T.
Other names: c.386C>T, p.Ser129Phe (NM_001136024.4); c.323C>T, p.Ser108Phe (NM_001291868.2); c.854C>T, p.Ser285Phe (NM_198270.4); short protein forms S129F, S306F, S285F, S108F.
Identifiers: ClinVar variation 1763813 (VCV001763813.2), dbSNP rs2519926961, ClinGen allele CA412347834.